The following is an entry in ClinVar:

ClinVar aggregate classification (germline): Pathogenic (1 of 4 stars; one submission).

Submission:

GeneDx
Classification: Pathogenic. Last evaluated: 2015-05-22. Review status: criteria provided, single submitter. Criteria: GeneDx Variant Classification (06012015). Collection method: clinical testing. Allele origin: germline. Affected: yes.
Comment: The c.855+1G>A variant in the PRPF31 gene has not been reported previously as a pathogenic variant nor as a benign polymorphism, to our knowledge. This substitution reduces the quality of the splicedonor site in intron 8, and is expected to cause abnormal gene splicing. The c.855+1G>A variant was notobserved in approximately 6500 individuals of European and African American ancestry in the NHLBIExome Sequencing Project, indicating it is not a common benign variant in these populations. We interpret c.855+1G>A as a pathogenic variant.

NM_015629.4(PRPF31):c.855+1G>A

Genes: PRPF31 (pre-mRNA processing factor 31; plus strand), PRPF31-AS1 (PRPF31 antisense RNA 1; minus strand). Cytogenetic location: 19q13.42.
Variant type: single nucleotide variant.
Coding change: c.855+1G>A on transcript NM_015629.4 (MANE Select); the canonical splice donor site of the intron after coding-DNA position 855, G replaced by A.
Molecular consequence: splice donor variant.
Genome position (GRCh38, 1-based): chr19:54,124,657, G>A. VCF-style: chr19-54124657-G-A. GRCh37 (hg19) VCF-style: chr19-54628036-G-A.
Identifiers: ClinVar variation 379837 (VCV000379837.2), dbSNP rs1057520752, ClinGen allele CA407751566.